The following is an entry in ClinVar:

ClinVar aggregate classification (germline): Uncertain significance (1 of 4 stars; one submission).

Conditions:
Arrhythmogenic right ventricular dysplasia 10. Also called: Arrhythmogenic Right Ventricular Dysplasia/Cardiomyopathy10; Arrhythmogenic right ventricular dysplasia/cardiomyopathy, type 10; ARRHYTHMOGENIC RIGHT VENTRICULAR DYSPLASIA, FAMILIAL, 10. Identifiers: MedGen C1857777, MONDO:0012434, OMIM 610193.

Submission:

Labcorp Genetics (formerly Invitae), Labcorp
Classification: Uncertain significance for Arrhythmogenic right ventricular dysplasia 10. Last evaluated: 2022-05-11. Review status: criteria provided, single submitter. Criteria: Invitae Variant Classification Sherloc (09022015). Collection method: clinical testing. Allele origin: germline.
Comment: This sequence change replaces glutamine, which is neutral and polar, with histidine, which is basic and polar, at codon 708 of the DSG2 protein (p.Gln708His). This variant is not present in population databases (gnomAD no frequency). This variant has not been reported in the literature in individuals affected with DSG2-related conditions. Algorithms developed to predict the effect of missense changes on protein structure and function output the following: SIFT: "Tolerated"; PolyPhen-2: "Benign"; Align-GVGD: "Class C0". The histidine amino acid residue is found in multiple mammalian species, which suggests that this missense change does not adversely affect protein function. In summary, the available evidence is currently insufficient to determine the role of this variant in disease. Therefore, it has been classified as a Variant of Uncertain Significance.

NM_001943.5(DSG2):c.2124A>T (p.Gln708His)

Genes: DSG2 (desmoglein 2; plus strand), DSG2-AS1 (DSG2 antisense RNA 1; minus strand). Cytogenetic location: 18q12.1.
Variant type: single nucleotide variant.
Coding change: c.2124A>T on transcript NM_001943.5 (MANE Select); coding-DNA position 2124, A replaced by T.
Protein change: p.Gln708His; replaces glutamine 708 with histidine.
Molecular consequence: missense variant.
Genome position (GRCh38, 1-based): chr18:31,542,642, A>T. VCF-style: chr18-31542642-A-T. GRCh37 (hg19) VCF-style: chr18-29122605-A-T.
Other names: short protein forms Q708H.
Identifiers: ClinVar variation 1993008 (VCV001993008.4), dbSNP rs2510920679, ClinGen allele CA402141901.
Genomic context (GRCh38, chr18:31,542,642, plus strand): 5'-AGGTATGGCCAAGGAAGCCACGATGAAAGGAAGTAGCTCTGCTTCCATTGTCAAAGGGCA[A>T]CATGAGATGTCCGAGATGGATGGAAGGTGGGAAGAACACAGAAGCCTGCTTTCTGGTAGA-3'
Protein context (NP_001934.2, residues 698-718): GSSSASIVKG[Gln708His]HEMSEMDGRW